The following is an entry in ClinVar:

ClinVar aggregate classification (germline): Uncertain significance. Review status: criteria provided, multiple submitters, no conflicts (2 of 4 stars). 2 submissions from 2 submitters: Uncertain significance (2). Last evaluated 2024-12-12.

gnomAD v4.1: 27 of 1,598,280 alleles (0.0017%); highest among the groups gnomAD compares: Middle Eastern, 0.1%; no homozygotes.

Submissions (2):

Labcorp Genetics (formerly Invitae), Labcorp
Classification: Uncertain significance. Last evaluated: 2024-12-12. Review status: criteria provided, single submitter. Criteria: Invitae Variant Classification Sherloc (09022015). Collection method: clinical testing. Allele origin: germline.
Comment: This sequence change replaces valine, which is neutral and non-polar, with methionine, which is neutral and non-polar, at codon 552 of the SAMD11 protein (p.Val552Met). This variant is present in population databases (no rsID available, gnomAD 0.002%). This variant has not been reported in the literature in individuals affected with SAMD11-related conditions. An algorithm developed to predict the effect of missense changes on protein structure and function (PolyPhen-2) suggests that this variant is likely to be disruptive. In summary, the available evidence is currently insufficient to determine the role of this variant in disease. Therefore, it has been classified as a Variant of Uncertain Significance.

Blueprint Genetics
Classification: Uncertain significance. Last evaluated: 2022-11-16. Review status: criteria provided, single submitter. Criteria: ACMG Guidelines, 2015. Collection method: clinical testing. Allele origin: germline.

NM_001385641.1(SAMD11):c.2143G>A (p.Val715Met)

Genes: SAMD11 (sterile alpha motif domain containing 11; plus strand), LOC129929063 (ATAC-STARR-seq lymphoblastoid active region 4; plus strand). Cytogenetic location: 1p36.33.
Variant type: single nucleotide variant.
Coding change: c.2143G>A on transcript NM_001385641.1 (MANE Select); coding-DNA position 2143, G replaced by A.
Protein change: p.Val715Met; replaces valine 715 with methionine.
Molecular consequence: missense variant.
Genome position (GRCh38, 1-based): chr1:943,342, G>A. VCF-style: chr1-943342-G-A. GRCh37 (hg19) VCF-style: chr1-878722-G-A.
Other names: c.2146G>A, p.Val716Met (NM_001385640.1); c.1654G>A, p.Val552Met (NM_152486.4); short protein forms V552M, V715M, V716M.
Identifiers: ClinVar variation 3608363 (VCV003608363.3).